The following is an entry in ClinVar:

ClinVar aggregate classification (germline): Likely benign. Review status: criteria provided, multiple submitters, no conflicts (2 of 4 stars). 3 submissions from 3 submitters: Likely benign (3). Last evaluated 2025-10-29.

Conditions:
Mevalonic aciduria (MEVA). Identifiers: Orphanet 29, MedGen C1959626, MONDO:0012481, OMIM 610377.
Porokeratosis 3, disseminated superficial actinic type (POROK3). Also called: POROKERATOSIS, DISSEMINATED SUPERFICIAL ACTINIC, 1; POROKERATOSIS 3, MIBELLI TYPE; POROKERATOSIS 3, MULTIPLE TYPES. Identifiers: MedGen C1867981, MONDO:0008293, OMIM 175900.
Hyperimmunoglobulin D with periodic fever (HIDS). Also called: Hyperimmunoglobulinemia D with periodic fever; HYPERIMMUNOGLOBULINEMIA D AND PERIODIC FEVER SYNDROME; Hyperimmunoglobulinemia D. Identifiers: Orphanet 343, MedGen C0398691, MONDO:0009849, OMIM 260920.

Allele frequency attached by ClinVar (database versions not stated): gnomAD exomes below 0.00001; gnomAD 0.00001; TOPMed 0.00001.
gnomAD v4.1: 5 of 1,612,938 alleles (0.00031%); highest among the groups gnomAD compares: African/African-American, 0.0053%; no homozygotes.

Submissions (3):

Labcorp Genetics (formerly Invitae), Labcorp
Classification: Likely benign for Mevalonic aciduria; Hyperimmunoglobulin D with periodic fever; Porokeratosis 3, disseminated superficial actinic type. Last evaluated: 2025-10-29. Review status: criteria provided, single submitter. Criteria: Invitae Variant Classification Sherloc (09022015). Collection method: clinical testing. Allele origin: germline.

Blueprint Genetics
Classification: Likely benign. Last evaluated: 2019-08-02. Review status: criteria provided, single submitter. Criteria: ACMG Guidelines, 2015. Collection method: clinical testing. Allele origin: germline.

GeneDx
Classification: Likely benign. Last evaluated: 2015-12-02. Review status: criteria provided, single submitter. Criteria: GeneDx Variant Classification (06012015). Collection method: clinical testing. Allele origin: germline. Affected: yes.
Comment: This variant is considered likely benign or benign based on one or more of the following criteria: it is a conservative change, it occurs at a poorly conserved position in the protein, it is predicted to be benign by multiple in silico algorithms, and/or has population frequency not consistent with disease.

NM_000431.4(MVK):c.624C>T (p.Ser208=)

Gene: MVK (mevalonate kinase; plus strand). Cytogenetic location: 12q24.11.
Variant type: single nucleotide variant.
Coding change: c.624C>T on transcript NM_000431.4 (MANE Select); coding-DNA position 624, C replaced by T.
Protein change: p.Ser208=; no amino-acid change (serine 208 retained).
Molecular consequence: synonymous variant.
Genome position (GRCh38, 1-based): chr12:109,586,118, C>T. VCF-style: chr12-109586118-C-T. GRCh37 (hg19) VCF-style: chr12-110023923-C-T.
Other names: c.624C>T (LRG_156t1); c.624C>T, p.Ser208= (NM_001114185.3); c.468C>T, p.Ser156= (NM_001301182.2).
Identifiers: ClinVar variation 246131 (VCV000246131.5), dbSNP rs879254114, ClinGen allele CA10584396.
Genomic context (GRCh38, chr12:109,586,118, plus strand): 5'-GGCCTTCCAAGGGGAGAGAATGATTCACGGGAACCCCTCCGGAGTGGACAATGCTGTCAG[C>T]ACCTGGGGTAGGTGTGGCCTCAGGTTTATTTTATTGTTGTTATTTTAAAAATTCTTATTA-3'
Protein context (NP_000422.1, residues 198-218): GNPSGVDNAV[Ser208=]TWGGALRYHQ